The following is an entry in ClinVar:

NM_004415.4(DSP):c.3541G>A (p.Glu1181Lys)

Gene: DSP (desmoplakin; plus strand). Cytogenetic location: 6p24.3.
Variant type: single nucleotide variant.
Coding change: c.3541G>A on transcript NM_004415.4 (MANE Select); coding-DNA position 3541, G replaced by A.
Protein change: p.Glu1181Lys; replaces glutamic acid 1181 with lysine.
Molecular consequence: missense variant.
Genome position (GRCh38, 1-based): chr6:7,579,731, G>A. VCF-style: chr6-7579731-G-A. GRCh37 (hg19) VCF-style: chr6-7579964-G-A.
Other names: c.3541G>A, p.Glu1181Lys (NM_001008844.3, NM_001319034.2); short protein forms E1181K.
Identifiers: ClinVar variation 3386664 (VCV003386664.1).

ClinVar aggregate classification (germline): Uncertain significance (1 of 4 stars; one submission).

Conditions:
Arrhythmogenic cardiomyopathy with wooly hair and keratoderma. Also called: Carvajal syndrome; PALMOPLANTAR KERATODERMA WITH LEFT VENTRICULAR CARDIOMYOPATHY AND WOOLLY HAIR; Dilated cardiomyopathy with woolly hair and keratoderma; Arrhythmogenic cardiomyopathy with woolly hair and keratoderma. Identifiers: Orphanet 65282, MedGen C1854063, MONDO:0011581, OMIM 605676.

gnomAD v4.1: 1 of 1,613,740 alleles (0.000062%); highest among the groups gnomAD compares: Non-Finnish European, 0.000085%; no homozygotes.

Submission:

All of Us Research Program, National Institutes of Health
Classification: Uncertain significance for Arrhythmogenic cardiomyopathy with wooly hair and keratoderma. Last evaluated: 2024-05-14. Review status: criteria provided, single submitter. Criteria: ACMG Guidelines, 2015. Collection method: clinical testing. Allele origin: germline. Inheritance: Autosomal dominant inheritance. Observed: 1 variant allele, 1 heterozygote.
Comment: This missense variant replaces glutamic acid with lysine at codon 1181 of the DSP protein. Computational prediction is inconclusive regarding the impact of this variant on protein structure and function (internally defined REVEL score threshold 0.5 < inconclusive < 0.7, PMID: 27666373). To our knowledge, functional studies have not been reported for this variant. This variant has not been reported in individuals affected with DSP-related disorders in the literature. This variant has not been identified in the general population by the Genome Aggregation Database (gnomAD). The available evidence is insufficient to determine the role of this variant in disease conclusively. Therefore, this variant is classified as a Variant of Uncertain Significance.

This study involves interpretation of variants in research participants for the purpose of population health screening. Participant phenotype was not available at the time of variant classification. Additional details can be found in publication PMID: 35346344, PMCID: PMC8962531